The following is an entry in ClinVar:

NM_000135.4(FANCA):c.3437G>A (p.Arg1146Lys)

Gene: FANCA (FA complementation group A; minus strand). Cytogenetic location: 16q24.3.
Variant type: single nucleotide variant.
Coding change: c.3437G>A on transcript NM_000135.4 (MANE Select); coding-DNA position 3437, G replaced by A.
Protein change: p.Arg1146Lys; replaces arginine 1146 with lysine.
Molecular consequence: missense variant.
Genome position (GRCh38, 1-based): chr16:89,746,660, C>T on the plus strand (G>A on the coding strand, the complement: FANCA is on the minus strand). VCF-style: chr16-89746660-C-T. GRCh37 (hg19) VCF-style: chr16-89813068-C-T.
Other names: c.3437G>A, p.Arg1146Lys (NM_001286167.3); short protein forms R1146K.
Identifiers: ClinVar variation 2756150 (VCV002756150.4), dbSNP rs199589419, ClinGen allele CA286624361.

ClinVar aggregate classification (germline): Uncertain significance. Review status: criteria provided, multiple submitters, no conflicts (2 of 4 stars). 2 submissions from 2 submitters: Uncertain significance (2). Last evaluated 2025-01-26.

Conditions:
Inborn genetic diseases. Identifiers: MedGen C0950123, MeSH D030342.
Fanconi anemia (FA). Also called: Fanconi's anemia. Identifiers: Orphanet 84, MedGen C0015625, MeSH D005199, MONDO:0019391.

gnomAD v4.1: 31 of 1,614,062 alleles (0.0019%); highest among the groups gnomAD compares: Non-Finnish European, 0.0025%; no homozygotes.

Submissions (2):

Ambry Genetics
Classification: Uncertain significance for Inborn genetic diseases. Last evaluated: 2025-01-26. Review status: criteria provided, single submitter. Criteria: Ambry Variant Classification Scheme 2023. Collection method: clinical testing. Allele origin: germline.
Comment: The p.R1146K variant (also known as c.3437G>A), located in coding exon 35 of the FANCA gene, results from a G to A substitution at nucleotide position 3437. The arginine at codon 1146 is replaced by lysine, an amino acid with highly similar properties. This amino acid position is conserved. In addition, this alteration is predicted to be tolerated by in silico analysis. Based on the available evidence, the clinical significance of this variant remains unclear.

Labcorp Genetics (formerly Invitae), Labcorp
Classification: Uncertain significance for Fanconi anemia. Last evaluated: 2024-06-06. Review status: criteria provided, single submitter. Criteria: Invitae Variant Classification Sherloc (09022015). Collection method: clinical testing. Allele origin: germline.
Comment: This sequence change replaces arginine, which is basic and polar, with lysine, which is basic and polar, at codon 1146 of the FANCA protein (p.Arg1146Lys). This variant is present in population databases (no rsID available, gnomAD 0.0009%). This variant has not been reported in the literature in individuals affected with FANCA-related conditions. Advanced modeling of protein sequence and biophysical properties (such as structural, functional, and spatial information, amino acid conservation, physicochemical variation, residue mobility, and thermodynamic stability) performed at Invitae indicates that this missense variant is not expected to disrupt FANCA protein function with a negative predictive value of 80%. In summary, the available evidence is currently insufficient to determine the role of this variant in disease. Therefore, it has been classified as a Variant of Uncertain Significance.